The following is an entry in ClinVar:

ClinVar aggregate classification (germline): Uncertain significance (1 of 4 stars; one submission).

Conditions:
Camptomelic dysplasia (CMPD). Also called: CMPD1/SRA1; Campomelic Dysplasia. Identifiers: Orphanet 140, MedGen C1861922, MONDO:0007251, OMIM 114290.

Allele frequency attached by ClinVar (database versions not stated): ExAC 0.00001; gnomAD 0.00001.
gnomAD v4.1: 5 of 1,360,388 alleles (0.00037%); highest among the groups gnomAD compares: East Asian, 0.0087%; no homozygotes.

Submission:

Labcorp Genetics (formerly Invitae), Labcorp
Classification: Uncertain significance for Camptomelic dysplasia. Last evaluated: 2025-01-15. Review status: criteria provided, single submitter. Criteria: Invitae Variant Classification Sherloc (09022015). Collection method: clinical testing. Allele origin: germline.
Comment: This sequence change replaces leucine, which is neutral and non-polar, with proline, which is neutral and non-polar, at codon 252 of the SOX9 protein (p.Leu252Pro). This variant is present in population databases (rs775182990, gnomAD 0.01%). This variant has not been reported in the literature in individuals affected with SOX9-related conditions. ClinVar contains an entry for this variant (Variation ID: 2885207). Invitae Evidence Modeling of protein sequence and biophysical properties (such as structural, functional, and spatial information, amino acid conservation, physicochemical variation, residue mobility, and thermodynamic stability) has been performed for this missense variant. However, the output from this modeling did not meet the statistical confidence thresholds required to predict the impact of this variant on SOX9 protein function. In summary, the available evidence is currently insufficient to determine the role of this variant in disease. Therefore, it has been classified as a Variant of Uncertain Significance.

NM_000346.4(SOX9):c.755T>C (p.Leu252Pro)

Gene: SOX9 (SRY-box transcription factor 9; plus strand). Cytogenetic location: 17q24.3.
Variant type: single nucleotide variant.
Coding change: c.755T>C on transcript NM_000346.4 (MANE Select); coding-DNA position 755, T replaced by C.
Protein change: p.Leu252Pro; replaces leucine 252 with proline.
Molecular consequence: missense variant.
Genome position (GRCh38, 1-based): chr17:72,123,612, T>C. VCF-style: chr17-72123612-T-C. GRCh37 (hg19) VCF-style: chr17-70119753-T-C.
Other names: short protein forms L252P.
Identifiers: ClinVar variation 2885207 (VCV002885207.3), dbSNP rs775182990, ClinGen allele CA8739016.
Genomic context (GRCh38, chr17:72,123,612, plus strand): 5'-AGGGCCCACCGACCCCACCCACCACCCCCAAAACCGACGTGCAGCCGGGCAAGGCTGACC[T>C]GAAGCGAGAGGGGCGCCCCTTGCCAGAGGGGGGCAGACAGCCCCCTATCGACTTCCGCGA-3'
Protein context (NP_000337.1, residues 242-262): KTDVQPGKAD[Leu252Pro]KREGRPLPEG